The following is an entry in ClinVar:

NM_052844.4(DYNC2I2):c.1154A>G (p.Gln385Arg)

Genes: DYNC2I2 (dynein 2 intermediate chain 2; minus strand), LOC126860772 (CDK7 strongly-dependent group 2 enhancer GRCh37_chr9:131396972-131398171; plus strand). Cytogenetic location: 9q34.11.
Variant type: single nucleotide variant.
Coding change: c.1154A>G on transcript NM_052844.4 (MANE Select); coding-DNA position 1154, A replaced by G.
Protein change: p.Gln385Arg; replaces glutamine 385 with arginine.
Molecular consequence: missense variant.
Genome position (GRCh38, 1-based): chr9:128,634,749, T>C on the plus strand (A>G on the coding strand, the complement: DYNC2I2 is on the minus strand). VCF-style: chr9-128634749-T-C. GRCh37 (hg19) VCF-style: chr9-131397028-T-C.
Other names: c.1154A>G (NM_052844.3); short protein forms Q385R.
Identifiers: ClinVar variation 1681199 (VCV001681199.5), dbSNP rs766809441, ClinGen allele CA5266326.

ClinVar aggregate classification (germline): Uncertain significance. Review status: criteria provided, multiple submitters, no conflicts (2 of 4 stars). 2 submissions from 2 submitters: Uncertain significance (2). Last evaluated 2024-11-09.

Conditions:
Inborn genetic diseases. Identifiers: MedGen C0950123, MeSH D030342.
Short-rib thoracic dysplasia 11 with or without polydactyly (SRTD11). Also called: SHORT-RIB THORACIC DYSPLASIA 11 WITHOUT POLYDACTYLY. Identifiers: Orphanet 474, Orphanet 93271, MedGen C3810200, MONDO:0014287, OMIM 615633.

Allele frequency attached by ClinVar (database versions not stated): gnomAD 0.00001; gnomAD exomes 0.00002 and 0.00003; TOPMed 0.00002; ExAC 0.00004.
gnomAD v4.1: 37 of 1,602,800 alleles (0.0023%); highest among the groups gnomAD compares: Non-Finnish European, 0.0031%; no homozygotes.

Submissions (2):

Ambry Genetics
Classification: Uncertain significance for Inborn genetic diseases. Last evaluated: 2024-11-09. Review status: criteria provided, single submitter. Criteria: Ambry Variant Classification Scheme 2023. Collection method: clinical testing. Allele origin: germline.

Labcorp Genetics (formerly Invitae), Labcorp
Classification: Uncertain significance for Short-rib thoracic dysplasia 11 with or without polydactyly. Last evaluated: 2021-10-08. Review status: criteria provided, single submitter. Criteria: Invitae Variant Classification Sherloc (09022015). Collection method: clinical testing. Allele origin: germline.
Comment: In summary, the available evidence is currently insufficient to determine the role of this variant in disease. Therefore, it has been classified as a Variant of Uncertain Significance. Algorithms developed to predict the effect of missense changes on protein structure and function output the following: SIFT: "Tolerated"; PolyPhen-2: "Benign"; Align-GVGD: "Class C0". The arginine amino acid residue is found in multiple mammalian species, which suggests that this missense change does not adversely affect protein function. This variant has not been reported in the literature in individuals affected with WDR34-related conditions. This variant is present in population databases (rs766809441, ExAC 0.007%). This sequence change replaces glutamine with arginine at codon 385 of the WDR34 protein (p.Gln385Arg). The glutamine residue is moderately conserved and there is a small physicochemical difference between glutamine and arginine.